The following is an entry in ClinVar:

NM_030943.4(AMN):c.514-34G>A

Gene: AMN (amnion associated transmembrane protein; plus strand). Cytogenetic location: 14q32.32.
Variant type: single nucleotide variant.
Coding change: c.514-34G>A on transcript NM_030943.4 (MANE Select); 34 bases into the intron before coding-DNA position 514, G replaced by A.
Molecular consequence: intron variant.
Genome position (GRCh38, 1-based): chr14:102,929,087, G>A. VCF-style: chr14-102929087-G-A. GRCh37 (hg19) VCF-style: chr14-103395424-G-A.
Identifiers: ClinVar variation 56755 (VCV000056755.5), dbSNP rs144077391, ClinGen allele CA144413.

ClinVar aggregate classification (germline): Likely pathogenic. Review status: criteria provided, single submitter (1 of 4 stars). 2 submissions from 2 submitters: Likely pathogenic (1). 1 of the submissions does not count toward it. Last evaluated 2024-03-20.

Conditions:
Imerslund-Grasbeck syndrome. Also called: ENTEROCYTE COBALAMIN MALABSORPTION; ENTEROCYTE INTRINSIC FACTOR RECEPTOR, DEFECT OF; PERNICIOUS ANEMIA, JUVENILE, DUE TO SELECTIVE INTESTINAL MALABSORPTION OF VITAMIN B12, WITH PROTEINURIA; Megaloblastic anemia due to inborn errors of metabolism; Imerslund-Gräsbeck syndrome. Identifiers: Orphanet 35858, MedGen C4551825, MONDO:0009853.

Allele frequency attached by ClinVar (database versions not stated): TOPMed 0.00001.
gnomAD v4.1: 17 of 1,597,430 alleles (0.0011%); highest among the groups gnomAD compares: Non-Finnish European, 0.0014%; no homozygotes.

Submissions (2):

Labcorp Genetics (formerly Invitae), Labcorp
Classification: Likely pathogenic for Imerslund-Grasbeck syndrome. Last evaluated: 2024-03-20. Review status: criteria provided, single submitter. Criteria: Invitae Variant Classification Sherloc (09022015). Collection method: clinical testing. Allele origin: germline.
Comment: This sequence change falls in intron 5 of the AMN gene. It does not directly change the encoded amino acid sequence of the AMN protein. This variant is present in population databases (rs144077391, gnomAD 0.003%). This variant has been observed in individual(s) with Imerslund-Gräsbeck Syndrome (PMID: 22929189). It has also been observed to segregate with disease in related individuals. ClinVar contains an entry for this variant (Variation ID: 56755). Studies have shown that this variant is associated with inconclusive levels of altered splicing (PMID: 22929189). In summary, the currently available evidence indicates that the variant is pathogenic, but additional data are needed to prove that conclusively. Therefore, this variant has been classified as Likely Pathogenic.

Juha Muilu Group; Institute for Molecular Medicine Finland (FIMM)
Classification: Likely pathogenic for Megaloblastic anemia due to inborn errors of metabolism. Review status: no assertion criteria provided. Collection method: not provided. Allele origin: unknown. Not counted in ClinVar's aggregate classification.
Comment: FinDis database variant: This variant was not found or characterized by our laboratory, data were collected from public sources: see reference
ClinVar note: Converted during submission from probable-pathogenic to Likely pathogenic.

Literature cited by the submitters: PubMed 22929189 (cited by Labcorp Genetics (formerly Invitae), Labcorp).